The following is an entry in ClinVar:

NM_004415.4(DSP):c.8017G>A (p.Asp2673Asn)

Gene: DSP (desmoplakin; plus strand). Cytogenetic location: 6p24.3.
Variant type: single nucleotide variant.
Coding change: c.8017G>A on transcript NM_004415.4 (MANE Select); coding-DNA position 8017, G replaced by A.
Protein change: p.Asp2673Asn; replaces aspartic acid 2673 with asparagine.
Molecular consequence: missense variant.
Genome position (GRCh38, 1-based): chr6:7,585,279, G>A. VCF-style: chr6-7585279-G-A. GRCh37 (hg19) VCF-style: chr6-7585512-G-A.
Other names: c.6220G>A, p.Asp2074Asn (NM_001008844.3); c.6688G>A, p.Asp2230Asn (NM_001319034.2); short protein forms D2074N, D2673N, D2230N.
Identifiers: ClinVar variation 1761667 (VCV001761667.2), dbSNP rs2533949095, ClinGen allele CA362694263.
Genomic context (GRCh38, chr6:7,585,279, plus strand): 5'-GCTCAGGCCTGCACAGGTGGCATCATCCACCCAACCACGGGCCAGAAGCTGTCACTTCAG[G>A]ACGCAGTCTCCCAGGGTGTGATTGACCAAGACATGGCCACCAGGCTGAAGCCTGCTCAGA-3'
Protein context (NP_004406.2, residues 2663-2683): PTTGQKLSLQ[Asp2673Asn]AVSQGVIDQD

ClinVar aggregate classification (germline): Uncertain significance (1 of 4 stars; one submission).

Conditions:
Cardiovascular phenotype. Identifiers: MedGen CN230736.

Allele frequency attached by ClinVar (database versions not stated): gnomAD exomes below 0.00001.
gnomAD v4.1: 1 of 1,614,156 alleles (0.000062%); highest among the groups gnomAD compares: Non-Finnish European, 0.000085%; no homozygotes.

Submission:

Ambry Genetics
Classification: Uncertain significance for Cardiovascular phenotype. Last evaluated: 2021-08-11. Review status: criteria provided, single submitter. Criteria: Ambry Variant Classification Scheme 2023. Collection method: clinical testing. Allele origin: germline.
Comment: The p.D2673N variant (also known as c.8017G>A), located in coding exon 24 of the DSP gene, results from a G to A substitution at nucleotide position 8017. The aspartic acid at codon 2673 is replaced by asparagine, an amino acid with highly similar properties. This amino acid position is conserved. In addition, this alteration is predicted to be tolerated by in silico analysis. Since supporting evidence is limited at this time, the clinical significance of this alteration remains unclear.